The following is an entry in ClinVar:

ClinVar aggregate classification (germline): Conflicting classifications of pathogenicity. Review status: criteria provided, conflicting classifications (1 of 4 stars). 13 submissions from 13 submitters: Uncertain significance (9); Benign (1); Likely benign (2). 1 of the submissions does not count toward it. Last evaluated 2026-09-18.

Conditions:
MSH6-related disorder. Also called: MSH6-related condition; MSH6-Related disorders.
Hereditary nonpolyposis colorectal neoplasms. Identifiers: MedGen C0009405, MeSH D003123.
Hereditary cancer-predisposing syndrome. Also called: Neoplastic Syndromes, Hereditary; Tumor predisposition; Hereditary Cancer Syndrome; Hereditary neoplastic syndrome. Identifiers: Orphanet 140162, MedGen C0027672, MeSH D009386, MONDO:0015356.
Lynch syndrome. Identifiers: Orphanet 144, MedGen C4552100, MONDO:0005835. Disease mechanism: loss of function.
Endometrial carcinoma. Also called: Endometrial carcinoma, somatic. Identifiers: MedGen C0476089, MONDO:0002447, OMIM 608089, HP:0012114.
Lynch syndrome 5 (LYNCH5). Also called: Colorectal cancer, hereditary nonpolyposis, type 5; Hereditary non-polyposis colorectal cancer, type 5. Identifiers: Orphanet 144, MedGen C1833477, MONDO:0013710, OMIM 614350. Disease mechanism: loss of function.

Allele frequency attached by ClinVar (database versions not stated): gnomAD exomes below 0.00001 and 0.00001; gnomAD 0.00004; TOPMed 0.00013.

Submissions (13):

PreventionGenetics, part of Exact Sciences
Classification: Uncertain significance for MSH6-related condition. Last evaluated: 2026-09-18. Review status: criteria provided, single submitter. Criteria: ACMG Guidelines, 2015. Collection method: clinical testing. Allele origin: germline.
Comment: The MSH6 c.972A>C variant is predicted to result in the amino acid substitution p.Lys324Asn. This variant has been reported in an individual undergoing Lynch syndrome testing (Yurgelun et al. 2015. PubMed ID: 25980754, Table S2). This variant is reported in 0.0029% of alleles in individuals of Latino descent in gnomAD. In ClinVar, this variant has conflicting interpretations ranging from uncertain significance to benign (Variation ID: 230518﻿). At this time, the clinical significance of this variant is uncertain due to the absence of conclusive functional and genetic evidence.

Labcorp Genetics (formerly Invitae), Labcorp
Classification: Likely benign for Hereditary nonpolyposis colorectal neoplasms. Last evaluated: 2026-01-26. Review status: criteria provided, single submitter. Criteria: Invitae Variant Classification Sherloc (09022015). Collection method: clinical testing. Allele origin: germline.

Color Diagnostics, LLC DBA Color Health
Classification: Uncertain significance for Hereditary cancer-predisposing syndrome. Last evaluated: 2025-12-10. Review status: criteria provided, single submitter. Criteria: ACMG Guidelines, 2015. Collection method: clinical testing. Allele origin: germline.
Comment: This missense variant replaces lysine with asparagine at codon 324 of the MSH6 protein. Computational prediction suggests that this variant may not impact protein structure and function. To our knowledge, functional studies have not been reported for this variant. This variant has been reported in an individual with a history of Lynch syndrome associated cancer and/or polyps (PMID: 25980754). This variant has been identified in 12/1614090 chromosomes in the general population by the Genome Aggregation Database (gnomAD). The available evidence is insufficient to determine the role of this variant in disease conclusively. Therefore, this variant is classified as a Variant of Uncertain Significance.

Quest Diagnostics Nichols Institute San Juan Capistrano
Classification: Uncertain significance. Last evaluated: 2025-06-19. Review status: criteria provided, single submitter. Criteria: Quest Diagnostics criteria. Collection method: clinical testing. Allele origin: unknown.
Comment: The MSH6 c.972A>C (p.Lys324Asn) variant has been reported in the published literature in an individual with Lynch syndrome-associated cancer and/or polyps (PMID: 25980754 (2015)). The frequency of this variant in the general population (Genome Aggregation Database) is uninformative in the assessment of its pathogenicity. Analysis of this variant using bioinformatics tools for the prediction of the effect of amino acid changes on protein structure and function yielded predictions that this variant is benign. Based on the available information, we are unable to determine the clinical significance of this variant.

Women's Health and Genetics/Laboratory Corporation of America, LabCorp
Classification: Likely benign. Last evaluated: 2025-04-24. Review status: criteria provided, single submitter. Criteria: LabCorp Variant Classification Summary - May 2015. Collection method: clinical testing. Allele origin: germline.
Comment: Variant summary: MSH6 c.972A>C (p.Lys324Asn) results in a non-conservative amino acid change in the encoded protein sequence. Three of five in-silico tools predict a benign effect of the variant on protein function. The variant allele was found at a frequency of 7.4e-06 in 1614090 control chromosomes, predominantly at a frequency of 0.00018 within the Latino subpopulation in the gnomAD database. The observed variant frequency within Latino control individuals in the gnomAD database is approximately 1.3 fold of the estimated maximal expected allele frequency for a pathogenic variant in MSH6 causing Hereditary Nonpolyposis Colorectal Cancer phenotype (0.00014). c.972A>C has been reported as VUS in at-least one individual undergoing a hereditary multigene cancer panel testing for Lynch syndrome (example, Yurgelun_2015). These report(s) do not provide unequivocal conclusions about association of the variant with Hereditary Nonpolyposis Colorectal Cancer. To our knowledge, no experimental evidence demonstrating an impact on protein function has been reported. The following publication has been ascertained in the context of this evaluation (PMID: 25980754). ClinVar contains an entry for this variant (Variation ID: 230518). Based on the evidence outlined above, the variant was classified as likely benign.

Ambry Genetics
Classification: Uncertain significance for Hereditary cancer-predisposing syndrome. Last evaluated: 2025-03-15. Review status: criteria provided, single submitter. Criteria: Ambry Variant Classification Scheme 2023. Collection method: clinical testing. Allele origin: germline.
Comment: The p.K324N variant (also known as c.972A>C), located in coding exon 4 of the MSH6 gene, results from an A to C substitution at nucleotide position 972. The lysine at codon 324 is replaced by asparagine, an amino acid with similar properties. This alteration was identified in a cohort of 1260 individuals undergoing panel testing for Lynch syndrome due to having a diagnosis of a Lynch-associated cancer and/or polyps (Yurgelun MB et al. Gastroenterology, 2015 Sep;149:604-13.e20). This amino acid position is well conserved in available vertebrate species. In addition, the in silico prediction for this alteration is inconclusive. Since supporting evidence is limited at this time, the clinical significance of this alteration remains unclear.

Myriad Genetics, Inc.
Classification: Benign for Lynch syndrome 5. Last evaluated: 2024-12-20. Review status: criteria provided, single submitter. Criteria: Myriad Autosomal Dominant, Autosomal Recessive and X-Linked Classification Criteria (2023). Collection method: clinical testing. Allele origin: unknown.
Comment: This variant is considered benign. This variant is strongly associated with less severe personal and family histories of cancer, typical for individuals without pathogenic variants in this gene [PMID: 27363726]. Homozygosity for this variant has been confirmed in one or more individuals lacking clinical features consistent with gene-specific recessive disease, indicating that this variant is unlikely to be pathogenic.

Mayo Clinic Laboratories, Mayo Clinic
Classification: Uncertain significance. Last evaluated: 2024-09-20. Review status: criteria provided, single submitter. Criteria: ACMG Guidelines, 2015. Collection method: clinical testing. Allele origin: germline. Observed: 2 variant alleles.
Comment: PM2

All of Us Research Program, National Institutes of Health
Classification: Uncertain significance for Lynch syndrome. Last evaluated: 2024-08-23. Review status: criteria provided, single submitter. Criteria: ACMG Guidelines, 2015. Collection method: clinical testing. Allele origin: germline. Inheritance: Autosomal dominant inheritance. Observed: 8 variant alleles, 8 heterozygotes.
Comment: This missense variant replaces lysine with asparagine at codon 324 of the MSH6 protein. Computational prediction suggests that this variant may not impact protein structure and function (internally defined REVEL score threshold <= 0.5, PMID: 27666373). To our knowledge, functional studies have not been reported for this variant. This variant has been reported in an individual with a history of Lynch syndrome associated cancer and/or polyps (PMID: 25980754). This variant has been identified in 1/251398 chromosomes in the general population by the Genome Aggregation Database (gnomAD). The available evidence is insufficient to determine the role of this variant in disease conclusively. Therefore, this variant is classified as a Variant of Uncertain Significance.

This study involves interpretation of variants in research participants for the purpose of population health screening. Participant phenotype was not available at the time of variant classification. Additional details can be found in publication PMID: 35346344, PMCID: PMC8962531

Baylor Genetics
Classification: Uncertain significance for Endometrial carcinoma. Last evaluated: 2024-03-06. Review status: criteria provided, single submitter. Criteria: ACMG Guidelines, 2015. Collection method: clinical testing. Allele origin: unknown.

GeneDx
Classification: Uncertain significance. Last evaluated: 2023-10-03. Review status: criteria provided, single submitter. Criteria: GeneDx Variant Classification Process June 2021. Collection method: clinical testing. Allele origin: germline. Affected: yes.
Comment: Not observed at significant frequency in large population cohorts (gnomAD); In silico analysis supports that this missense variant does not alter protein structure/function; Observed in an individual with a history of a Lynch syndrome-associated cancer and/or polyps (Yurgelun et al., 2015); This variant is associated with the following publications: (PMID: 25980754, 21437237)

Sema4
Classification: Uncertain significance for Hereditary cancer-predisposing syndrome. Last evaluated: 2022-03-06. Review status: criteria provided, single submitter. Criteria: Sema4 Curation Guidelines. Collection method: curation. Allele origin: germline.
Comment: The MSH6 c.972A>C (p.K324N) variant has been reported in at least one individual undergoing Lynch syndrome testing (PMID 25980754). This variant was observed in 1/34588 chromosomes in the Latino population according to the Genome Aggregation Database (PMID 32461654). The variant has been reported in ClinVar (Variation ID 230518). Functional studies have not been performed, and in silico predictions of the variant's effect on protein function are inconclusive. The evidence is insufficient to meet ACMG/AMP criteria for classifying the variant as benign or pathogenic. Thus, the clinical significance of this variant is currently uncertain.

Counsyl
Classification: Uncertain significance for Lynch syndrome 5. Last evaluated: 2018-02-06. Review status: no assertion criteria provided. Collection method: clinical testing. Allele origin: unknown. Not counted in ClinVar's aggregate classification.

Literature cited by the submitters: PubMed 25980754 (cited by 8 submitters); PubMed 27363726 (cited by Myriad Genetics, Inc.).

NM_000179.3(MSH6):c.972A>C (p.Lys324Asn)

Gene: MSH6 (mutS homolog 6; plus strand). Cytogenetic location: 2p16.3.
Variant type: single nucleotide variant.
Coding change: c.972A>C on transcript NM_000179.3 (MANE Select); coding-DNA position 972, A replaced by C.
Protein change: p.Lys324Asn; replaces lysine 324 with asparagine.
Molecular consequence: missense variant.
Genome position (GRCh38, 1-based): chr2:47,798,955, A>C. VCF-style: chr2-47798955-A-C. GRCh37 (hg19) VCF-style: chr2-48026094-A-C.
Other names: p.Lys324Asn; c.582A>C, p.Lys194Asn (NM_001281492.2); c.66A>C, p.Lys22Asn (NM_001281493.2, NM_001281494.2); short protein forms K324N, K194N, K22N.
Identifiers: ClinVar variation 230518 (VCV000230518.39), dbSNP rs876658610, ClinGen allele CA10578055.